The following is an entry in ClinVar:

NM_000256.3(MYBPC3):c.1624+13G>A

Gene: MYBPC3 (myosin binding protein C3; minus strand). Cytogenetic location: 11p11.2.
Variant type: single nucleotide variant.
Coding change: c.1624+13G>A on transcript NM_000256.3 (MANE Select); 13 bases into the intron after coding-DNA position 1624, G replaced by A.
Molecular consequence: intron variant.
Genome position (GRCh38, 1-based): chr11:47,342,565, C>T on the plus strand (G>A on the coding strand, the complement: MYBPC3 is on the minus strand). VCF-style: chr11-47342565-C-T. GRCh37 (hg19) VCF-style: chr11-47364116-C-T.
Identifiers: ClinVar variation 42552 (VCV000042552.15), dbSNP rs397515913, ClinGen allele CA010739.

ClinVar aggregate classification (germline): Benign/Likely benign. Review status: criteria provided, multiple submitters, no conflicts (2 of 4 stars). 6 submissions from 6 submitters: Benign (1); Likely benign (5). Last evaluated 2026-01-26.

Conditions:
Hypertrophic cardiomyopathy 4. Also called: Familial hypertrophic cardiomyopathy 4. Identifiers: MedGen C1861862, MONDO:0007268, OMIM 115197.
Left ventricular noncompaction 10 (LVNC10). Identifiers: Orphanet 154, Orphanet 54260, MedGen C3715165, MONDO:0014163, OMIM 615396.
Hypertrophic cardiomyopathy. Also called: HYPERTROPHIC MYOCARDIOPATHY. Identifiers: Orphanet 217569, MedGen C0007194, MeSH D002312, MONDO:0005045, HP:0001639.

Allele frequency attached by ClinVar (database versions not stated): TOPMed 0.00002; 1000 Genomes Project 30x 0.00031; 1000 Genomes Project 0.00040.
gnomAD v4.1: 157 of 1,566,926 alleles (0.01%); highest among the groups gnomAD compares: South Asian, 0.17%; no homozygotes.

Submissions (6):

Labcorp Genetics (formerly Invitae), Labcorp
Classification: Benign for Hypertrophic cardiomyopathy. Last evaluated: 2026-01-26. Review status: criteria provided, single submitter. Criteria: Invitae Variant Classification Sherloc (09022015). Collection method: clinical testing. Allele origin: germline.

Blueprint Genetics
Classification: Likely benign. Last evaluated: 2024-10-08. Review status: criteria provided, single submitter. Criteria: ACMG Guidelines, 2015. Collection method: clinical testing. Allele origin: germline.

Fulgent Genetics
Classification: Likely benign for Hypertrophic cardiomyopathy 4; Left ventricular noncompaction 10. Last evaluated: 2021-09-27. Review status: criteria provided, single submitter. Criteria: ACMG Guidelines, 2015. Collection method: clinical testing. Allele origin: unknown.

GeneDx
Classification: Likely benign. Last evaluated: 2018-01-16. Review status: criteria provided, single submitter. Criteria: GeneDx Variant Classification (06012015). Collection method: clinical testing. Allele origin: germline. Affected: yes.
Comment: This variant is considered likely benign or benign based on one or more of the following criteria: it is a conservative change, it occurs at a poorly conserved position in the protein, it is predicted to be benign by multiple in silico algorithms, and/or has population frequency not consistent with disease.

Laboratory for Molecular Medicine, Mass General Brigham Personalized Medicine
Classification: Likely benign. Last evaluated: 2012-05-17. Review status: criteria provided, single submitter. Criteria: LMM Criteria. Collection method: clinical testing. Allele origin: germline. Observed: 2 variant alleles.
Comment: c.1624+13G>A in intron 17 of MYBPC3: This variant is not expected to have clinic al significance because it does not alter an amino acid residue and is not locat ed within the splice consensus sequence. It has been identified in 0.2% (16/560 4) of South Asian chromosomes by the Exome Aggregation Consortium (ExAC; dbSNP rs397515913).

Breakthrough Genomics
Classification: Likely benign. Review status: criteria provided, single submitter. Criteria: ACMG Guidelines, 2015. Collection method: not provided. Allele origin: germline. Inheritance: Autosomal dominant inheritance. Affected: yes.